The following is an entry in ClinVar:

ClinVar aggregate classification (germline): Likely pathogenic (1 of 4 stars; one submission).

Conditions:
Deficiency of UDPglucose-hexose-1-phosphate uridylyltransferase. Also called: GALACTOSE-1-PHOSPHATE URIDYLYLTRANSFERASE DEFICIENCY; Transferase Deficiency Galactosemia; GALACTOSEMIA I; GALT deficiency; Galactosemia, classic. Identifiers: Orphanet 352, Orphanet 79239, MedGen C0268151, MONDO:0009258, OMIM 230400.

Submission:

Myriad Genetics, Inc.
Classification: Likely pathogenic for Deficiency of UDPglucose-hexose-1-phosphate uridylyltransferase. Last evaluated: 2022-02-12. Review status: criteria provided, single submitter. Criteria: Myriad Women's Health Autosomal Recessive and X-Linked Classification Criteria (2021). Collection method: clinical testing. Allele origin: unknown.
Comment: NM_000155.3(GALT):c.231_233delGGCinsT(A78Hfs*13) is expected to be pathogenic in the context of galactosemia. This variant is predicted to lead to an abnormal or absent protein product due to the creation of a premature termination codon in GALT, a gene where loss-of-function variants are known to be pathogenic. Please note: this variant was assessed in the context of healthy population screening.

NM_000155.4(GALT):c.231_233delinsT (p.Ala78fs)

Genes: GALT (galactose-1-phosphate uridylyltransferase; plus strand), LOC130001683 (ATAC-STARR-seq lymphoblastoid active region 28314; plus strand). Cytogenetic location: 9p13.3.
Variant type: Indel.
Coding change: c.231_233delinsT on transcript NM_000155.4 (MANE Select); coding-DNA positions 231 to 233, GGC replaced by T.
Protein change: p.Ala78fs; shifts the reading frame from alanine 78.
Molecular consequence: frameshift variant.
Genome position (GRCh38, 1-based): chr9:34,647,237-34,647,239, GGC replaced by T. VCF-style: chr9-34647237-GGC-T. GRCh37 (hg19) VCF-style: chr9-34647234-GGC-T.
Other names: c.29_31delinsT, p.Gly10fs (NM_001258332.2); short protein forms A78fs, G10fs.
Identifiers: ClinVar variation 1724396 (VCV001724396.2), dbSNP rs2492862494, ClinGen allele CA2580080375.